The following is an entry in ClinVar:

NM_001025295.3(IFITM5):c.227G>A (p.Arg76Gln)

Gene: IFITM5 (interferon induced transmembrane protein 5; minus strand). Cytogenetic location: 11p15.5.
Variant type: single nucleotide variant.
Coding change: c.227G>A on transcript NM_001025295.3 (MANE Select); coding-DNA position 227, G replaced by A.
Protein change: p.Arg76Gln; replaces arginine 76 with glutamine.
Molecular consequence: missense variant.
Genome position (GRCh38, 1-based): chr11:298,673, C>T on the plus strand (G>A on the coding strand, the complement: IFITM5 is on the minus strand). VCF-style: chr11-298673-C-T. GRCh37 (hg19) VCF-style: chr11-298673-C-T.
Other names: p.Arg76Gln; c.227G>A (NM_001025295.1); short protein forms R76Q.
Identifiers: ClinVar variation 718256 (VCV000718256.12), dbSNP rs755986012, ClinGen allele CA5773418.

ClinVar aggregate classification (germline): Conflicting classifications of pathogenicity. Review status: criteria provided, conflicting classifications (1 of 4 stars). 4 submissions from 4 submitters: Uncertain significance (2); Likely benign (1). 1 of the submissions does not count toward it. Last evaluated 2025-12-21.

Conditions:
Inborn genetic diseases. Identifiers: MedGen C0950123, MeSH D030342.
IFITM5-related disorder. Also called: IFITM5-related condition.

Allele frequency attached by ClinVar (database versions not stated): gnomAD 0.00012 and 0.00013; TOPMed 0.00015.
gnomAD v4.1: 127 of 1,613,534 alleles (0.0079%); highest among the groups gnomAD compares: Admixed American, 0.11%; no homozygotes.

Submissions (4):

Labcorp Genetics (formerly Invitae), Labcorp
Classification: Likely benign. Last evaluated: 2025-12-21. Review status: criteria provided, single submitter. Criteria: Invitae Variant Classification Sherloc (09022015). Collection method: clinical testing. Allele origin: germline.

Mayo Clinic Laboratories, Mayo Clinic
Classification: Uncertain significance. Last evaluated: 2025-06-27. Review status: criteria provided, single submitter. Criteria: ACMG Guidelines, 2015. Collection method: clinical testing. Allele origin: germline. Observed: 1 variant allele.
Comment: BP4_moderate, PM2_supporting

Ambry Genetics
Classification: Uncertain significance for Inborn genetic diseases. Last evaluated: 2021-08-02. Review status: criteria provided, single submitter. Criteria: Ambry Variant Classification Scheme 2023. Collection method: clinical testing. Allele origin: germline.

PreventionGenetics, part of Exact Sciences
Classification: Likely benign for IFITM5-related condition. Last evaluated: 2022-05-02. Review status: no assertion criteria provided. Collection method: clinical testing. Allele origin: germline. Not counted in ClinVar's aggregate classification.
Comment: This variant is classified as likely benign based on ACMG/AMP sequence variant interpretation guidelines (Richards et al. 2015 PMID: 25741868, with internal and published modifications).